The following is an entry in ClinVar:

ClinVar aggregate classification (germline): Likely pathogenic (1 of 4 stars; one submission).

Conditions:
MPI-congenital disorder of glycosylation. Also called: CONGENITAL DISORDER OF GLYCOSYLATION, TYPE Ib; CDG Ib; MANNOSEPHOSPHATE ISOMERASE DEFICIENCY; PROTEIN-LOSING ENTEROPATHY-HEPATIC FIBROSIS SYNDROME; MPI-CDG; MPI DEFICIENCY. Identifiers: Orphanet 79319, MedGen C1865145, MONDO:0011257, OMIM 602579.

gnomAD v4.1: 1 of 1,614,206 alleles (0.000062%); highest among the groups gnomAD compares: East Asian, 0.0022%; no homozygotes.

Submission:

Natera, Inc.
Classification: Likely pathogenic for Congenital disorder of glycosylation type 1b. Last evaluated: 2026-01-12. Review status: criteria provided, single submitter. Criteria: Natera Variant Classification Schema (03/2026). Collection method: clinical testing. Allele origin: germline.
Comment: The c.583C>T variant in MPI is a nonsense variant predicted to introduce a stop codon at amino acid 195. This variant is expected to result in nonsense mediated decay, truncation, or a dysfunctional protein product. This variant is rare in the general population with a frequency below the threshold expected for the associated phenotype(s). Given the available evidence, this variant is classified as Likely Pathogenic.

NM_002435.3(MPI):c.583C>T (p.Gln195Ter)

Gene: MPI (mannose phosphate isomerase; plus strand). Cytogenetic location: 15q24.1.
Variant type: single nucleotide variant.
Coding change: c.583C>T on transcript NM_002435.3 (MANE Select); coding-DNA position 583, C replaced by T.
Protein change: p.Gln195Ter; replaces glutamine 195 with a stop codon.
Molecular consequence: nonsense. On other transcripts: intron variant (1).
Genome position (GRCh38, 1-based): chr15:74,893,233, C>T. VCF-style: chr15-74893233-C-T. GRCh37 (hg19) VCF-style: chr15-75185574-C-T.
Other names: c.583C>T, p.Gln195Ter (NM_001289155.2); c.433C>T, p.Gln145Ter (NM_001289156.2); c.523C>T, p.Gln175Ter (NM_001330372.2); c.487+431C>T (NM_001289157.2); short protein forms Q145*, Q175*, Q195*.
Identifiers: ClinVar variation 4815041 (VCV004815041.1).